The following is an entry in ClinVar:

NM_000540.3(RYR1):c.6353G>A (p.Arg2118Gln)

Gene: RYR1 (ryanodine receptor 1; plus strand). Cytogenetic location: 19q13.2.
Variant type: single nucleotide variant.
Coding change: c.6353G>A on transcript NM_000540.3 (MANE Select); coding-DNA position 6353, G replaced by A.
Protein change: p.Arg2118Gln; replaces arginine 2118 with glutamine.
Molecular consequence: missense variant.
Genome position (GRCh38, 1-based): chr19:38,494,430, G>A. VCF-style: chr19-38494430-G-A. GRCh37 (hg19) VCF-style: chr19-38985070-G-A.
Other names: c.6353G>A, p.Arg2118Gln (NM_001042723.2); short protein forms R2118Q.
Identifiers: ClinVar variation 2853197 (VCV002853197.5), dbSNP rs201649680, ClinGen allele CA405663647.

ClinVar aggregate classification (germline): Uncertain significance. Review status: criteria provided, multiple submitters, no conflicts (2 of 4 stars). 2 submissions from 2 submitters: Uncertain significance (2). Last evaluated 2026-06-23.

Conditions:
RYR1-related disorder. Also called: RYR1-related condition; RYR1-related disorders. Identifiers: MedGen CN239331.

gnomAD v4.1: 7 of 1,612,164 alleles (0.00043%); highest among the groups gnomAD compares: Admixed American, 0.0017%; no homozygotes.

Submissions (2):

GeneDx
Classification: Uncertain significance. Last evaluated: 2026-06-23. Review status: criteria provided, single submitter. Criteria: GeneDx Variant Classification Process June 2021. Collection method: clinical testing. Allele origin: germline.
Comment: Not observed at significant frequency in large population cohorts (gnomAD); In silico analysis supports that this missense variant has a deleterious effect on protein structure/function; Has not been previously published as pathogenic or benign to our knowledge; This variant is associated with the following publications: (PMID: 12668474, 33767344)

Labcorp Genetics (formerly Invitae), Labcorp
Classification: Uncertain significance for RYR1-related disorder. Last evaluated: 2025-01-28. Review status: criteria provided, single submitter. Criteria: Invitae Variant Classification Sherloc (09022015). Collection method: clinical testing. Allele origin: germline.
Comment: This sequence change replaces arginine, which is basic and polar, with glutamine, which is neutral and polar, at codon 2118 of the RYR1 protein (p.Arg2118Gln). This variant is present in population databases (no rsID available, gnomAD 0.003%). This variant has not been reported in the literature in individuals affected with RYR1-related conditions. ClinVar contains an entry for this variant (Variation ID: 2853197). Invitae Evidence Modeling of protein sequence and biophysical properties (such as structural, functional, and spatial information, amino acid conservation, physicochemical variation, residue mobility, and thermodynamic stability) indicates that this missense variant is not expected to disrupt RYR1 protein function with a negative predictive value of 80%. In summary, the available evidence is currently insufficient to determine the role of this variant in disease. Therefore, it has been classified as a Variant of Uncertain Significance.